The following is an entry in ClinVar:

ClinVar aggregate classification (germline): Uncertain significance (1 of 4 stars; one submission).

Submission:

GeneDx
Classification: Uncertain significance. Last evaluated: 2024-03-28. Review status: criteria provided, single submitter. Criteria: GeneDx Variant Classification Process June 2021. Collection method: clinical testing. Allele origin: germline. Affected: yes.
Comment: Not observed at significant frequency in large population cohorts (gnomAD); Has not been previously published as pathogenic or benign to our knowledge; Nonsense variant predicted to result in protein truncation as the last 5 amino acids are lost in a gene for which loss-of-function is not an established mechanism of disease

NM_000937.5(POLR2A):c.5896_5897del (p.Asp1965_Ser1966insTer)

Gene: POLR2A (RNA polymerase II subunit A; plus strand). Cytogenetic location: 17p13.1.
Variant type: Deletion.
Coding change: c.5896_5897del on transcript NM_000937.5 (MANE Select); coding-DNA positions 5896 to 5897, 2 bases deleted (AG; older notation c.5896_5897delAG).
Protein change: p.Asp1965_Ser1966insTer.
Molecular consequence: nonsense.
Genome position (GRCh38, 1-based): chr17:7,514,162-7,514,163, AG deleted. VCF-style (leftmost placement, unchanged base first): chr17-7514161-CAG-C. GRCh37 (hg19) VCF-style: chr17-7417478-CAG-C.
Identifiers: ClinVar variation 3371575 (VCV003371575.1).
Genomic context (GRCh38, chr17:7,514,161, plus strand): 5'-TGGTTACTCGCCCACCAGCCCCACCTACAGTCTCACAAGCCCGGCTATCAGCCCGGATGA[CAG>C]TGACGAGGAGAACTGAGGGCACGTGGGGTGCGGCAGCGGGCTAGGGCCCAGGGCAGCTTG-3'